The following is an entry in ClinVar:

NM_002880.4(RAF1):c.768G>C (p.Arg256Ser)

Gene: RAF1 (Raf-1 proto-oncogene, serine/threonine kinase; minus strand). Cytogenetic location: 3p25.2.
Variant type: single nucleotide variant.
Coding change: c.768G>C on transcript NM_002880.4 (MANE Select); coding-DNA position 768, G replaced by C.
Protein change: p.Arg256Ser; replaces arginine 256 with serine.
Molecular consequence: missense variant. On other transcripts: non-coding transcript variant (3).
Genome position (GRCh38, 1-based): chr3:12,604,202, C>G on the plus strand (G>C on the coding strand, the complement: RAF1 is on the minus strand). VCF-style: chr3-12604202-C-G. GRCh37 (hg19) VCF-style: chr3-12645701-C-G.
Other names: c.768G>C, p.Arg256Ser (NM_001354689.3, NM_001354690.3); c.525G>C, p.Arg175Ser (NM_001354691.3, NM_001354692.3, NM_001354694.3); c.669G>C, p.Arg223Ser (NM_001354693.3); c.426G>C, p.Arg142Ser (NM_001354695.3); short protein forms R256S, R142S, R223S, R175S.
Identifiers: ClinVar variation 44632 (VCV000044632.12), dbSNP rs397516826, ClinGen allele CA261623.

ClinVar aggregate classification (germline): Pathogenic/Likely pathogenic. Review status: criteria provided, multiple submitters, no conflicts (2 of 4 stars). 2 submissions from 2 submitters: Pathogenic (1); Likely pathogenic (1). Last evaluated 2023-09-11.

Conditions:
RASopathy. Also called: Noonan spectrum disorder; rasopathies. Identifiers: Orphanet 536391, MedGen C5555857, MONDO:0021060.
Noonan syndrome (NS). Also called: Noonan's syndrome. Identifiers: Orphanet 648, MedGen C0028326, MeSH D009634, MONDO:0018997. Disease mechanism: gain of function.

Submissions (2):

Labcorp Genetics (formerly Invitae), Labcorp
Classification: Pathogenic for RASopathy. Last evaluated: 2023-09-11. Review status: criteria provided, single submitter. Criteria: Invitae Variant Classification Sherloc (09022015). Collection method: clinical testing. Allele origin: germline.
Comment: This missense change has been observed in individuals with clinical features of Noonan syndrome (PMID: 17603483; Invitae). This variant is not present in population databases (gnomAD no frequency). This sequence change replaces arginine, which is basic and polar, with serine, which is neutral and polar, at codon 256 of the RAF1 protein (p.Arg256Ser). ClinVar contains an entry for this variant (Variation ID: 44632). For these reasons, this variant has been classified as Pathogenic. This variant disrupts the p.Arg256 amino acid residue in RAF1. Other variant(s) that disrupt this residue have been determined to be pathogenic (Invitae). This suggests that this residue is clinically significant, and that variants that disrupt this residue are likely to be disease-causing. Experimental studies have shown that this missense change affects RAF1 function (PMID: 20679480). Advanced modeling of protein sequence and biophysical properties (such as structural, functional, and spatial information, amino acid conservation, physicochemical variation, residue mobility, and thermodynamic stability) performed at Invitae indicates that this missense variant is expected to disrupt RAF1 protein function.

Laboratory for Molecular Medicine, Mass General Brigham Personalized Medicine
Classification: Likely pathogenic for Noonan syndrome. Last evaluated: 2011-08-30. Review status: criteria provided, single submitter. Criteria: LMM Criteria. Collection method: clinical testing. Allele origin: germline. Observed: 1 variant allele.
Comment: A different nucleotide change, 768G>T, leading to an identical amino acid change , Arg256Ser, has been reported previously in the literature in one individual wi th Noonan syndrome (Pandit, 2007). The 768G>T variant was not identified in 210 European controls. R256 lies in a domain critical for normal RAF1 protein functi on, and many pathogenic variants have been identified in this region. This resid ue is completely conserved across evolutionarily distinct species and computatio nal analyses (PolyPhen2, SIFT, AlignGVGD) predict that this variant will impact the normal function of the protein. It should be noted that the sensitivity and specificity of these computational programs has not been determined by our labor atory. It is likely that this variant is pathogenic and responsible for the cli nical features observed in this individual.

Literature cited by the submitters: PubMed 17603483 (cited by Labcorp Genetics (formerly Invitae), Labcorp and Laboratory for Molecular Medicine, Mass General Brigham Personalized Medicine); PubMed 20679480 (cited by Labcorp Genetics (formerly Invitae), Labcorp).